The following is an entry in ClinVar:

ClinVar aggregate classification (germline): Uncertain significance (1 of 4 stars; one submission).

Submission:

GeneDx
Classification: Uncertain significance. Last evaluated: 2026-07-24. Review status: criteria provided, single submitter. Criteria: GeneDx Variant Classification Process June 2021. Collection method: clinical testing. Allele origin: germline.
Comment: Not observed at significant frequency in large population cohorts (gnomAD); In silico analysis supports that this missense variant has a deleterious effect on protein structure/function; Has not been previously published as pathogenic or benign to our knowledge

NM_001379403.1(WDR26):c.851C>G (p.Pro284Arg)

Gene: WDR26 (WD repeat domain 26; minus strand). Cytogenetic location: 1q42.12.
Variant type: single nucleotide variant.
Coding change: c.851C>G on transcript NM_001379403.1 (MANE Select); coding-DNA position 851, C replaced by G.
Protein change: p.Pro284Arg; replaces proline 284 with arginine.
Molecular consequence: missense variant.
Genome position (GRCh38, 1-based): chr1:224,431,553, G>C on the plus strand (C>G on the coding strand, the complement: WDR26 is on the minus strand). VCF-style: chr1-224431553-G-C. GRCh37 (hg19) VCF-style: chr1-224619255-G-C.
Other names: c.551C>G, p.Pro184Arg (NM_001115113.3, NM_025160.7); short protein forms P184R, P284R.
Identifiers: ClinVar variation 3363663 (VCV003363663.2).